The following is an entry in ClinVar:

NM_001349338.3(FOXP1):c.139G>A (p.Gly47Arg)

Gene: FOXP1 (forkhead box P1; minus strand). Cytogenetic location: 3p13.
Variant type: single nucleotide variant.
Coding change: c.139G>A on transcript NM_001349338.3 (MANE Select); coding-DNA position 139, G replaced by A.
Protein change: p.Gly47Arg; replaces glycine 47 with arginine.
Molecular consequence: missense variant. On other transcripts: non-coding transcript variant (2).
Genome position (GRCh38, 1-based): chr3:71,198,243, C>T on the plus strand (G>A on the coding strand, the complement: FOXP1 is on the minus strand). VCF-style: chr3-71198243-C-T. GRCh37 (hg19) VCF-style: chr3-71247394-C-T.
Other names: c.139G>A, p.Gly47Arg (NM_001012505.2, NM_001244808.3, NM_001244810.2 and 7 more transcripts); short protein forms G47R.
Identifiers: ClinVar variation 3008989 (VCV003008989.3), dbSNP rs2546769455, ClinGen allele CA353565052.

ClinVar aggregate classification (germline): Uncertain significance (1 of 4 stars; one submission).

gnomAD v4.1: 2 of 1,614,134 alleles (0.00012%); highest among the groups gnomAD compares: Non-Finnish European, 0.00017%; no homozygotes.

Submission:

Labcorp Genetics (formerly Invitae), Labcorp
Classification: Uncertain significance. Last evaluated: 2024-05-31. Review status: criteria provided, single submitter. Criteria: Invitae Variant Classification Sherloc (09022015). Collection method: clinical testing. Allele origin: germline.
Comment: This sequence change replaces glycine, which is neutral and non-polar, with arginine, which is basic and polar, at codon 47 of the FOXP1 protein (p.Gly47Arg). This variant is not present in population databases (gnomAD no frequency). This variant has not been reported in the literature in individuals affected with FOXP1-related conditions. This missense change has been observed in at least one individual who was not affected with FOXP1-related conditions (Invitae). Advanced modeling of protein sequence and biophysical properties (such as structural, functional, and spatial information, amino acid conservation, physicochemical variation, residue mobility, and thermodynamic stability) has been performed at Invitae for this missense variant, however the output from this modeling did not meet the statistical confidence thresholds required to predict the impact of this variant on FOXP1 protein function. In summary, the available evidence is currently insufficient to determine the role of this variant in disease. Therefore, it has been classified as a Variant of Uncertain Significance.